The following is an entry in ClinVar:

NM_001378120.1(MBD5):c.4924G>A (p.Val1642Ile)

Gene: MBD5 (methyl-CpG binding domain protein 5; plus strand). Cytogenetic location: 2q23.1.
Variant type: single nucleotide variant.
Coding change: c.4924G>A on transcript NM_001378120.1 (MANE Select); coding-DNA position 4924, G replaced by A.
Protein change: p.Val1642Ile; replaces valine 1642 with isoleucine.
Molecular consequence: missense variant.
Genome position (GRCh38, 1-based): chr2:148,490,556, G>A. VCF-style: chr2-148490556-G-A. GRCh37 (hg19) VCF-style: chr2-149248125-G-A.
Other names: c.4225G>A (NM_018328.4); c.4225G>A, p.Val1409Ile (NM_018328.5); short protein forms V1409I, V1642I.
Identifiers: ClinVar variation 1051754 (VCV001051754.10), dbSNP rs770196931, ClinGen allele CA1900485.

ClinVar aggregate classification (germline): Conflicting classifications of pathogenicity. Review status: criteria provided, conflicting classifications (1 of 4 stars). 2 submissions from 2 submitters: Uncertain significance (1); Likely benign (1). Last evaluated 2025-06-10.

Conditions:
Inborn genetic diseases. Identifiers: MedGen C0950123, MeSH D030342.
Intellectual developmental disorder, autosomal dominant 1. Also called: Intellectual disability, autosomal dominant 1; MBD5 Haploinsufficiency. Identifiers: Orphanet 228402, MedGen C1969562, MONDO:0007974, OMIM 156200.

Allele frequency attached by ClinVar (database versions not stated): gnomAD exomes below 0.00001; gnomAD 0.00001; TOPMed below 0.00001; ExAC 0.00001.
gnomAD v4.1: 9 of 1,614,044 alleles (0.00056%); highest among the groups gnomAD compares: Middle Eastern, 0.016%; no homozygotes.

Submissions (2):

Labcorp Genetics (formerly Invitae), Labcorp
Classification: Uncertain significance for Intellectual developmental disorder, autosomal dominant 1. Last evaluated: 2025-06-10. Review status: criteria provided, single submitter. Criteria: Invitae Variant Classification Sherloc (09022015). Collection method: clinical testing. Allele origin: germline.
Comment: This sequence change replaces valine, which is neutral and non-polar, with isoleucine, which is neutral and non-polar, at codon 1409 of the MBD5 protein (p.Val1409Ile). This variant is present in population databases (rs770196931, gnomAD 0.003%). This variant has not been reported in the literature in individuals affected with MBD5-related conditions. ClinVar contains an entry for this variant (Variation ID: 1051754). Experimental studies and prediction algorithms are not available or were not evaluated, and the functional significance of this variant is currently unknown. In summary, the available evidence is currently insufficient to determine the role of this variant in disease. Therefore, it has been classified as a Variant of Uncertain Significance.

Ambry Genetics
Classification: Likely benign for Inborn genetic diseases. Last evaluated: 2023-03-13. Review status: criteria provided, single submitter. Criteria: Ambry Variant Classification Scheme 2023. Collection method: clinical testing. Allele origin: germline.